The following is an entry in ClinVar:

ClinVar aggregate classification (germline): Conflicting classifications of pathogenicity. Review status: criteria provided, conflicting classifications (1 of 4 stars). 5 submissions from 4 submitters: Uncertain significance (2); Likely benign (3). Last evaluated 2026-01-22.

Conditions:
Cone dystrophy 4 (COD4). Identifiers: Orphanet 49382, MedGen C2751308, MONDO:0013129, OMIM 613093.
PDE6C-related disorder. Also called: PDE6C-related condition.
Achromatopsia. Also called: Rod monochromatism. Identifiers: Orphanet 49382, MedGen C0152200, MONDO:0018852, HP:0011516.

Allele frequency attached by ClinVar (database versions not stated): ESP Exome Variant Server 0.00038; gnomAD 0.00038 and 0.00048; TOPMed 0.00049; ExAC 0.00079; 1000 Genomes Project 0.00100; 1000 Genomes Project 30x 0.00109.
gnomAD v4.1: 761 of 1,612,974 alleles (0.047%); highest among the groups gnomAD compares: Middle Eastern, 0.68%; 2 homozygotes.

Submissions (5):

Labcorp Genetics (formerly Invitae), Labcorp
Classification: Likely benign. Last evaluated: 2026-01-22. Review status: criteria provided, single submitter. Criteria: Invitae Variant Classification Sherloc (09022015). Collection method: clinical testing. Allele origin: germline.

PreventionGenetics, part of Exact Sciences
Classification: Likely benign for PDE6C-related condition. Last evaluated: 2025-10-20. Review status: criteria provided, single submitter. Criteria: ACMG Guidelines, 2015. Collection method: clinical testing. Allele origin: germline.
Comment: This variant is classified as likely benign based on ACMG/AMP sequence variant interpretation guidelines (Richards et al. 2015 PMID: 25741868, with internal and published modifications).

Blueprint Genetics
Classification: Likely benign. Last evaluated: 2024-11-20. Review status: criteria provided, single submitter. Criteria: ACMG Guidelines, 2015. Collection method: clinical testing. Allele origin: germline.

Illumina Laboratory Services, Illumina
Classification: Uncertain significance for Achromatopsia. Last evaluated: 2018-01-13. Review status: criteria provided, single submitter. Criteria: ICSL Variant Classification Criteria 13 December 2019. Collection method: clinical testing. Allele origin: germline.

Illumina Laboratory Services, Illumina
Classification: Uncertain significance for Cone dystrophy 4. Last evaluated: 2018-01-13. Review status: criteria provided, single submitter. Criteria: ICSL Variant Classification Criteria 13 December 2019. Collection method: clinical testing. Allele origin: germline.

NM_006204.4(PDE6C):c.2087C>T (p.Thr696Met)

Gene: PDE6C (phosphodiesterase 6C; plus strand). Cytogenetic location: 10q23.33.
Variant type: single nucleotide variant.
Coding change: c.2087C>T on transcript NM_006204.4 (MANE Select); coding-DNA position 2087, C replaced by T.
Protein change: p.Thr696Met; replaces threonine 696 with methionine.
Molecular consequence: missense variant.
Genome position (GRCh38, 1-based): chr10:93,658,951, C>T. VCF-style: chr10-93658951-C-T. GRCh37 (hg19) VCF-style: chr10-95418708-C-T.
Other names: short protein forms T696M.
Identifiers: ClinVar variation 879113 (VCV000879113.14), dbSNP rs41290222, ClinGen allele CA5610394.
Genomic context (GRCh38, chr10:93,658,951, plus strand): 5'-TCTTTTCTAGGAAGAGGACCATGTTTCAAAAAATTGTTGATGCCTGTGAACAAATGCAAA[C>T]GGAAGAAGAAGCCATCAAATATGTAACTGTTGATCCAACCAAGAAAGAGATTATCATGTA-3'
Protein context (NP_006195.3, residues 686-706): KIVDACEQMQ[Thr696Met]EEEAIKYVTV